The following is an entry in ClinVar:

ClinVar aggregate classification (germline): Uncertain significance (1 of 4 stars; one submission).

gnomAD v4.1: 1 of 1,492,592 alleles (0.000067%); no homozygotes.

Submission:

Labcorp Genetics (formerly Invitae), Labcorp
Classification: Uncertain significance. Last evaluated: 2025-02-26. Review status: criteria provided, single submitter. Criteria: Invitae Variant Classification Sherloc (09022015). Collection method: clinical testing. Allele origin: germline.
Comment: This sequence change replaces arginine, which is basic and polar, with lysine, which is basic and polar, at codon 1495 of the CDK13 protein (p.Arg1495Lys). This variant is not present in population databases (gnomAD no frequency). This variant has not been reported in the literature in individuals affected with CDK13-related conditions. Invitae Evidence Modeling of protein sequence and biophysical properties (such as structural, functional, and spatial information, amino acid conservation, physicochemical variation, residue mobility, and thermodynamic stability) has been performed for this missense variant. However, the output from this modeling did not meet the statistical confidence thresholds required to predict the impact of this variant on CDK13 protein function. In summary, the available evidence is currently insufficient to determine the role of this variant in disease. Therefore, it has been classified as a Variant of Uncertain Significance.

NM_003718.5(CDK13):c.4484G>A (p.Arg1495Lys)

Gene: CDK13 (cyclin dependent kinase 13; plus strand). Cytogenetic location: 7p14.1.
Variant type: single nucleotide variant.
Coding change: c.4484G>A on transcript NM_003718.5 (MANE Select); coding-DNA position 4484, G replaced by A.
Protein change: p.Arg1495Lys; replaces arginine 1495 with lysine.
Molecular consequence: missense variant.
Genome position (GRCh38, 1-based): chr7:40,094,925, G>A. VCF-style: chr7-40094925-G-A. GRCh37 (hg19) VCF-style: chr7-40134524-G-A.
Other names: c.4304G>A, p.Arg1435Lys (NM_031267.4); short protein forms R1435K, R1495K.
Identifiers: ClinVar variation 4809343 (VCV004809343.1).
Genomic context (GRCh38, chr7:40,094,925, plus strand): 5'-TCATGCATGGACAGACCTGGACTTCTCCTGCCCAAGGACCTGGATATTCACAAGGATACA[G>A]GGGACATATTAGCACATCAACTGGCAGAGGCAGAGGCAGAGGGTTACCATACTGAGTATC-3'
Protein context (NP_003709.3, residues 1485-1505): AQGPGYSQGY[Arg1495Lys]GHISTSTGRG